The following is an entry in ClinVar:

NM_001942.4(DSG1):c.3047G>A (p.Arg1016Lys)

Genes: DSG1 (desmoglein 1; plus strand), DSG1-AS1 (DSG1 antisense RNA 1; minus strand). Cytogenetic location: 18q12.1.
Variant type: single nucleotide variant.
Coding change: c.3047G>A on transcript NM_001942.4 (MANE Select); coding-DNA position 3047, G replaced by A.
Protein change: p.Arg1016Lys; replaces arginine 1016 with lysine.
Molecular consequence: missense variant.
Genome position (GRCh38, 1-based): chr18:31,355,243, G>A. VCF-style: chr18-31355243-G-A. GRCh37 (hg19) VCF-style: chr18-28935206-G-A.
Other names: c.3047G>A (NM_001942.2); short protein forms R1016K.
Identifiers: ClinVar variation 1510023 (VCV001510023.7), dbSNP rs768328238, ClinGen allele CA8926509.

ClinVar aggregate classification (germline): Uncertain significance. Review status: criteria provided, multiple submitters, no conflicts (2 of 4 stars). 2 submissions from 2 submitters: Uncertain significance (2). Last evaluated 2023-05-17.

Conditions:
Inborn genetic diseases. Identifiers: MedGen C0950123, MeSH D030342.

Allele frequency attached by ClinVar (database versions not stated): gnomAD exomes below 0.00001 and 0.00001; ExAC 0.00002.
gnomAD v4.1: 2 of 1,610,326 alleles (0.00012%); highest among the groups gnomAD compares: South Asian, 0.0022%; no homozygotes.

Submissions (2):

Ambry Genetics
Classification: Uncertain significance for Inborn genetic diseases. Last evaluated: 2023-05-17. Review status: criteria provided, single submitter. Criteria: Ambry Variant Classification Scheme 2023. Collection method: clinical testing. Allele origin: germline.

Labcorp Genetics (formerly Invitae), Labcorp
Classification: Uncertain significance. Last evaluated: 2022-07-12. Review status: criteria provided, single submitter. Criteria: Invitae Variant Classification Sherloc (09022015). Collection method: clinical testing. Allele origin: germline.
Comment: In summary, the available evidence is currently insufficient to determine the role of this variant in disease. Therefore, it has been classified as a Variant of Uncertain Significance. Algorithms developed to predict the effect of missense changes on protein structure and function output the following: SIFT: "Tolerated"; PolyPhen-2: "Benign"; Align-GVGD: "Class C0". The lysine amino acid residue is found in multiple mammalian species, which suggests that this missense change does not adversely affect protein function. ClinVar contains an entry for this variant (Variation ID: 1510023). This variant has not been reported in the literature in individuals affected with DSG1-related conditions. This variant is present in population databases (rs768328238, gnomAD 0.007%). This sequence change replaces arginine, which is basic and polar, with lysine, which is basic and polar, at codon 1016 of the DSG1 protein (p.Arg1016Lys).